The following is an entry in ClinVar:

NM_002635.4(SLC25A3):c.926-11G>A

Gene: SLC25A3 (solute carrier family 25 member 3; plus strand). Cytogenetic location: 12q23.1.
Variant type: single nucleotide variant.
Coding change: c.926-11G>A on transcript NM_002635.4 (MANE Select); 11 bases into the intron before coding-DNA position 926, G replaced by A.
Molecular consequence: intron variant.
Genome position (GRCh38, 1-based): chr12:98,601,357, G>A. VCF-style: chr12-98601357-G-A. GRCh37 (hg19) VCF-style: chr12-98995135-G-A.
Other names: c.926-11G>A (NM_213611.3); c.929-11G>A (NM_005888.4).
Identifiers: ClinVar variation 513731 (VCV000513731.5), dbSNP rs1555209035, ClinGen allele CA658797943.

ClinVar aggregate classification (germline): Likely benign. Review status: criteria provided, multiple submitters, no conflicts (2 of 4 stars). 2 submissions from 2 submitters: Likely benign (2). Last evaluated 2023-11-27.

Allele frequency attached by ClinVar (database versions not stated): gnomAD exomes below 0.00001.
gnomAD v4.1: 4 of 1,613,994 alleles (0.00025%); highest among the groups gnomAD compares: African/African-American, 0.0053%; no homozygotes.

Submissions (2):

Labcorp Genetics (formerly Invitae), Labcorp
Classification: Likely benign. Last evaluated: 2023-11-27. Review status: criteria provided, single submitter. Criteria: Invitae Variant Classification Sherloc (09022015). Collection method: clinical testing. Allele origin: germline.

GeneDx
Classification: Likely benign. Last evaluated: 2017-12-15. Review status: criteria provided, single submitter. Criteria: GeneDx Variant Classification (06012015). Collection method: clinical testing. Allele origin: germline. Affected: yes.
Comment: This variant is considered likely benign or benign based on one or more of the following criteria: it is a conservative change, it occurs at a poorly conserved position in the protein, it is predicted to be benign by multiple in silico algorithms, and/or has population frequency not consistent with disease.